The following is an entry in ClinVar:

ClinVar aggregate classification (germline): Likely benign (1 of 4 stars; one submission).

Submission:

Dasa
Classification: Likely benign. Last evaluated: 2025-02-12. Review status: criteria provided, single submitter. Criteria: DASA Assertion Criteria. Collection method: clinical testing. Allele origin: germline.
Comment: NM_001008537.3(NEXMIF):c.1288G>T (p.Ala430Ser) is a missense variant that results in the substitution of alanine with serine. The variant context is inconsistent with a known disease-causing mechanism. Computational prediction algorithms are consistent with a benign effect. Therefore, based on the currently available evidence, this variant is classified as likely benign.

NM_001008537.3(NEXMIF):c.1288G>T (p.Ala430Ser)

Gene: NEXMIF (neurite extension and migration factor; minus strand). Cytogenetic location: Xq13.3.
Variant type: single nucleotide variant.
Coding change: c.1288G>T on transcript NM_001008537.3 (MANE Select); coding-DNA position 1288, G replaced by T.
Protein change: p.Ala430Ser; replaces alanine 430 with serine.
Molecular consequence: missense variant.
Genome position (GRCh38, 1-based): chrX:74,743,269, C>A on the plus strand (G>T on the coding strand, the complement: NEXMIF is on the minus strand). VCF-style: chrX-74743269-C-A. GRCh37 (hg19) VCF-style: chrX-73963104-C-A.
Other names: short protein forms A430S.
Identifiers: ClinVar variation 4856956 (VCV004856956.2).